The following is an entry in ClinVar:

ClinVar aggregate classification (germline): Uncertain significance (1 of 4 stars; one submission).

Conditions:
Hereditary cancer-predisposing syndrome. Also called: Neoplastic Syndromes, Hereditary; Tumor predisposition; Hereditary neoplastic syndrome; Hereditary Cancer Syndrome. Identifiers: Orphanet 140162, MedGen C0027672, MeSH D009386, MONDO:0015356.

gnomAD v4.1: 1 of 1,612,638 alleles (0.000062%); highest among the groups gnomAD compares: East Asian, 0.0022%; no homozygotes.

Submission:

Ambry Genetics
Classification: Uncertain significance for Hereditary cancer-predisposing syndrome. Last evaluated: 2025-12-21. Review status: criteria provided, single submitter. Criteria: Ambry Variant Classification Scheme 2023. Collection method: clinical testing. Allele origin: germline.
Comment: The p.G1367S variant (also known as c.4099G>A), located in coding exon 33 of the TSC2 gene, results from a G to A substitution at nucleotide position 4099. The glycine at codon 1367 is replaced by serine, an amino acid with similar properties. This amino acid position is conserved. In addition, the in silico prediction for this alteration is inconclusive. Based on the available evidence, the clinical significance of this variant remains unclear.

NM_000548.5(TSC2):c.4099G>A (p.Gly1367Ser)

Gene: TSC2 (TSC complex subunit 2; plus strand). Cytogenetic location: 16p13.3.
Variant type: single nucleotide variant.
Coding change: c.4099G>A on transcript NM_000548.5 (MANE Select); coding-DNA position 4099, G replaced by A.
Protein change: p.Gly1367Ser; replaces glycine 1367 with serine.
Molecular consequence: missense variant. On other transcripts: non-coding transcript variant (5).
Genome position (GRCh38, 1-based): chr16:2,084,321, G>A. VCF-style: chr16-2084321-G-A. GRCh37 (hg19) VCF-style: chr16-2134322-G-A.
Other names: c.3898G>A, p.Gly1300Ser (NM_001077183.3); c.4030G>A, p.Gly1344Ser (NM_001114382.3); c.3790G>A, p.Gly1264Ser (NM_001318827.2); c.3754G>A, p.Gly1252Ser (NM_001318829.2); c.3367G>A, p.Gly1123Ser (NM_001318831.2); c.3931G>A, p.Gly1311Ser (NM_001318832.2); c.3901G>A, p.Gly1301Ser (NM_001363528.2); c.3967G>A, p.Gly1323Ser (NM_001370404.1); and 26 more; short protein forms G1100S, G1251S, G1264S, G1101S, G1143S, G1263S, G1281S, G1296S.
Identifiers: ClinVar variation 4192207 (VCV004192207.2).